The following is an entry in ClinVar:

ClinVar aggregate classification (germline): Uncertain significance (1 of 4 stars; one submission).

Conditions:
Inborn genetic diseases. Identifiers: MedGen C0950123, MeSH D030342.

Allele frequency attached by ClinVar (database versions not stated): gnomAD exomes below 0.00001.
gnomAD v4.1: 3 of 1,612,040 alleles (0.00019%); highest among the groups gnomAD compares: Middle Eastern, 0.017%; no homozygotes.

Submission:

Ambry Genetics
Classification: Uncertain significance for Inborn genetic diseases. Last evaluated: 2022-06-08. Review status: criteria provided, single submitter. Criteria: Ambry Variant Classification Scheme 2023. Collection method: clinical testing. Allele origin: germline.
Comment: The p.I2274V variant (also known as c.6820A>G), located in coding exon 46 of the LRRK2 gene, results from an A to G substitution at nucleotide position 6820. The isoleucine at codon 2274 is replaced by valine, an amino acid with highly similar properties. This amino acid position is conserved. In addition, this alteration is predicted to be tolerated by in silico analysis. Since supporting evidence is limited at this time, the clinical significance of this alteration remains unclear.

NM_198578.4(LRRK2):c.6820A>G (p.Ile2274Val)

Gene: LRRK2 (leucine rich repeat kinase 2; plus strand). Cytogenetic location: 12q12.
Variant type: single nucleotide variant.
Coding change: c.6820A>G on transcript NM_198578.4 (MANE Select); coding-DNA position 6820, A replaced by G.
Protein change: p.Ile2274Val; replaces isoleucine 2274 with valine.
Molecular consequence: missense variant.
Genome position (GRCh38, 1-based): chr12:40,356,164, A>G. VCF-style: chr12-40356164-A-G. GRCh37 (hg19) VCF-style: chr12-40749966-A-G.
Other names: short protein forms I2274V.
Identifiers: ClinVar variation 1755633 (VCV001755633.2), dbSNP rs946773171, ClinGen allele CA235347698.